The following is an entry in ClinVar:

ClinVar aggregate classification (germline): Uncertain significance (1 of 4 stars; one submission).

Submission:

Labcorp Genetics (formerly Invitae), Labcorp
Classification: Uncertain significance. Last evaluated: 2025-06-03. Review status: criteria provided, single submitter. Criteria: Invitae Variant Classification Sherloc (09022015). Collection method: clinical testing. Allele origin: germline.
Comment: This sequence change replaces aspartic acid, which is acidic and polar, with tyrosine, which is neutral and polar, at codon 1247 of the ALPK3 protein (p.Asp1247Tyr). This variant is not present in population databases (gnomAD no frequency). This variant has not been reported in the literature in individuals affected with ALPK3-related conditions. Invitae Evidence Modeling of protein sequence and biophysical properties (such as structural, functional, and spatial information, amino acid conservation, physicochemical variation, residue mobility, and thermodynamic stability) indicates that this missense variant is expected to disrupt ALPK3 protein function with a positive predictive value of 80%. In summary, the available evidence is currently insufficient to determine the role of this variant in disease. Therefore, it has been classified as a Variant of Uncertain Significance.

NM_020778.5(ALPK3):c.3133G>T (p.Asp1045Tyr)

Gene: ALPK3 (alpha kinase 3; plus strand). Cytogenetic location: 15q25.3.
Variant type: single nucleotide variant.
Coding change: c.3133G>T on transcript NM_020778.5 (MANE Select); coding-DNA position 3133, G replaced by T.
Protein change: p.Asp1045Tyr; replaces aspartic acid 1045 with tyrosine.
Molecular consequence: missense variant.
Genome position (GRCh38, 1-based): chr15:84,857,871, G>T. VCF-style: chr15-84857871-G-T. GRCh37 (hg19) VCF-style: chr15-85401102-G-T.
Other names: short protein forms D1045Y.
Identifiers: ClinVar variation 4741423 (VCV004741423.1).